The following is an entry in ClinVar:

ClinVar aggregate classification (germline): Uncertain significance (1 of 4 stars; one submission).

Submission:

Labcorp Genetics (formerly Invitae), Labcorp
Classification: Uncertain significance. Last evaluated: 2022-06-03. Review status: criteria provided, single submitter. Criteria: Invitae Variant Classification Sherloc (09022015). Collection method: clinical testing. Allele origin: germline.
Comment: This sequence change falls in intron 54 of the COL27A1 gene. It does not directly change the encoded amino acid sequence of the COL27A1 protein. This variant is present in population databases (rs748731467, gnomAD 0.008%). This variant has not been reported in the literature in individuals affected with COL27A1-related conditions. Algorithms developed to predict the effect of sequence changes on RNA splicing suggest that this variant is not likely to affect RNA splicing. In summary, the available evidence is currently insufficient to determine the role of this variant in disease. Therefore, it has been classified as a Variant of Uncertain Significance.

NM_032888.4(COL27A1):c.4810-22TCT[2]

Gene: COL27A1 (collagen type XXVII alpha 1 chain; plus strand). Cytogenetic location: 9q32.
Variant type: Microsatellite.
Coding change: c.4810-22TCT[2] on transcript NM_032888.4 (MANE Select); two copies in a row of the 3-base unit TCT starting at c.4810-22; the reference has three copies in a row; one copy, 3 bases deleted.
Molecular consequence: intron variant.
Genome position (GRCh38, 1-based): chr9:114,301,666-114,301,668, TCT deleted; deleting any 3 consecutive bases within chr9:114,301,660-114,301,668 gives the same sequence; the position shown is the placement nearest the transcript's 3' end. VCF-style (leftmost placement, unchanged base first): chr9-114301659-CTCT-C. GRCh37 (hg19) VCF-style: chr9-117063939-CTCT-C.
Identifiers: ClinVar variation 1509413 (VCV001509413.5), dbSNP rs748731467, ClinGen allele CA5203133.
Genomic context (GRCh38, chr9:114,301,659, plus strand): 5'-AGGTCTGCTTGAGGAGGGACTGGGTTGGGGAGAGATGAAGACCCTGTGGACCAGGGCTCA[CTCT>C]TCTTCTCTTGTTCCCCCAGGGTCCTCCCGGCCCCAGAGGGCGGCCCGGCCCCCCGGTAGG-3'